The following is an entry in ClinVar:

NM_001042413.2(GLIS3):c.2687T>A (p.Leu896His)

Gene: GLIS3 (GLIS family zinc finger 3; minus strand). Cytogenetic location: 9p24.2.
Variant type: single nucleotide variant.
Coding change: c.2687T>A on transcript NM_001042413.2 (MANE Select); coding-DNA position 2687, T replaced by A.
Protein change: p.Leu896His; replaces leucine 896 with histidine.
Molecular consequence: missense variant.
Genome position (GRCh38, 1-based): chr9:3,828,378, A>T on the plus strand (T>A on the coding strand, the complement: GLIS3 is on the minus strand). VCF-style: chr9-3828378-A-T. GRCh37 (hg19) VCF-style: chr9-3828378-A-T.
Other names: c.2687T>A, p.Leu896His (NM_001438906.1, NM_001438907.1, NM_001438908.1); c.2222T>A, p.Leu741His (NM_001438909.1, NM_152629.4); c.2021T>A, p.Leu674His (NM_001438911.1, NM_001438912.1); short protein forms L896H, L741H, L674H.
Identifiers: ClinVar variation 4728830 (VCV004728830.1).
Genomic context (GRCh38, chr9:3,828,378, plus strand): 5'-ACGGTGCTGATCTGCAAGAAGGTAGCATCTTCAGCCCCGCTGCGGAGAGACTCCCCAAAG[A>T]GGCTCGAGGAACTTGAAGGTAAATCATACACTGGAAGAGAAAGAACGCAGTTAAGTCAGT-3'
Protein context (NP_001035878.1, residues 886-906): VYDLPSSSSS[Leu896His]FGESLRSGAE

ClinVar aggregate classification (germline): Uncertain significance (1 of 4 stars; one submission).

Submission:

Labcorp Genetics (formerly Invitae), Labcorp
Classification: Uncertain significance. Last evaluated: 2025-10-09. Review status: criteria provided, single submitter. Criteria: Invitae Variant Classification Sherloc (09022015). Collection method: clinical testing. Allele origin: germline.
Comment: This sequence change replaces leucine, which is neutral and non-polar, with histidine, which is basic and polar, at codon 741 of the GLIS3 protein (p.Leu741His). This variant is not present in population databases (gnomAD no frequency). This variant has not been reported in the literature in individuals affected with GLIS3-related conditions. An algorithm developed to predict the effect of missense changes on protein structure and function (PolyPhen-2) suggests that this variant is likely to be disruptive. In summary, the available evidence is currently insufficient to determine the role of this variant in disease. Therefore, it has been classified as a Variant of Uncertain Significance.